The following is an entry in ClinVar:

ClinVar aggregate classification (germline): Uncertain significance (1 of 4 stars; one submission).

Conditions:
Familial thoracic aortic aneurysm and aortic dissection (TAAD). Also called: Thoracic aortic aneurysms and dissections. Identifiers: Orphanet 91387, MedGen C4707243, MONDO:0019625.

Submission:

Color Diagnostics, LLC DBA Color Health
Classification: Uncertain significance for Familial thoracic aortic aneurysm and aortic dissection. Last evaluated: 2025-05-25. Review status: criteria provided, single submitter. Criteria: ACMG Guidelines, 2015. Collection method: clinical testing. Allele origin: germline.
Comment: This missense variant replaces asparagine with lysine at codon 1513 of the MYH11 protein. Computational prediction is inconclusive regarding the impact of this variant on protein structure and function. To our knowledge, functional studies have not been reported for this variant. This variant has not been reported in individuals affected with MYH11-related disorders in the literature. This variant has not been identified in the general population by the Genome Aggregation Database (gnomAD). The available evidence is insufficient to determine the role of this variant in disease conclusively. Therefore, this variant is classified as a Variant of Uncertain Significance.

NM_002474.3(MYH11):c.4518C>A (p.Asn1506Lys)

Genes: MYH11 (myosin heavy chain 11; minus strand), NDE1 (nudE neurodevelopment protein 1; plus strand). Cytogenetic location: 16p13.11.
Variant type: single nucleotide variant.
Coding change: c.4518C>A on transcript NM_002474.3 (MANE Select); coding-DNA position 4518, C replaced by A.
Protein change: p.Asn1506Lys; replaces asparagine 1506 with lysine.
Molecular consequence: missense variant. On other transcripts: intron variant (2).
Genome position (GRCh38, 1-based): chr16:15,721,482, G>T on the plus strand (C>A on the coding strand, the complement: MYH11 is on the minus strand). VCF-style: chr16-15721482-G-T. GRCh37 (hg19) VCF-style: chr16-15815339-G-T.
Other names: c.4539C>A, p.Asn1513Lys (NM_001040113.2, NM_001040114.2); c.4518C>A, p.Asn1506Lys (NM_022844.3); c.948-2709G>T (NM_001143979.2, NM_017668.3); short protein forms N1506K, N1513K.
Identifiers: ClinVar variation 4756695 (VCV004756695.1).